The following is an entry in ClinVar:

NM_001111067.4(ACVR1):c.*358G>A

Gene: ACVR1 (activin A receptor type 1; minus strand). Cytogenetic location: 2q24.1.
Variant type: single nucleotide variant.
Coding change: c.*358G>A on transcript NM_001111067.4 (MANE Select); 358 bases downstream of the stop codon, G replaced by A.
Molecular consequence: 3 prime UTR variant.
Genome position (GRCh38, 1-based): chr2:157,737,173, C>T on the plus strand (G>A on the coding strand, the complement: ACVR1 is on the minus strand). VCF-style: chr2-157737173-C-T. GRCh37 (hg19) VCF-style: chr2-158593685-C-T.
Other names: NC_000002.11:g.158593685C>T; c.*358G>A (NM_001105.5, NM_001347663.1, NM_001347664.1 and 3 more transcripts).
Identifiers: ClinVar variation 331679 (VCV000331679.7), dbSNP rs79598188, ClinGen allele CA10612628.

ClinVar aggregate classification (germline): Benign. Review status: criteria provided, multiple submitters, no conflicts (2 of 4 stars). 2 submissions from 2 submitters: Benign (2). Last evaluated 2018-01-13.

Conditions:
Progressive myositis ossificans (FOP). Also called: Myositis ossificans progressiva; Progressive ossifying myositis; Fibrodysplasia Ossificans Progressiva. Identifiers: Orphanet 337, MedGen C0016037, MONDO:0007606, OMIM 135100.

Allele frequency attached by ClinVar (database versions not stated): 1000 Genomes Project 30x 0.00281; 1000 Genomes Project 0.00319; TOPMed 0.00484; gnomAD 0.00522 and 0.00537; gnomAD exomes 0.00744.
gnomAD v4.1: 2,338 of 356,856 alleles (0.66%); highest among the groups gnomAD compares: South Asian, 1.1%; 20 homozygotes.

Submissions (6):

Illumina Laboratory Services, Illumina
Classification: Benign for Progressive myositis ossificans. Last evaluated: 2018-01-13. Review status: criteria provided, single submitter. Criteria: ICSL Variant Classification Criteria 13 December 2019. Collection method: clinical testing. Allele origin: germline.
Comment: This variant was observed in the ICSL laboratory as part of a predisposition screen in an ostensibly healthy population. It had not been previously curated by ICSL or reported in the Human Gene Mutation Database (HGMD: prior to June 1st, 2018), and was therefore a candidate for classification through an automated scoring system. Utilizing variant allele frequency, disease prevalence and penetrance estimates, and inheritance mode, an automated score was calculated to assess if this variant is too frequent to cause the disease. Based on the score and internal cut-off values, a variant classified as benign is not then subjected to further curation. The score for this variant resulted in a classification of benign for this disease.

Breakthrough Genomics
Classification: Benign. Review status: criteria provided, single submitter. Criteria: ACMG Guidelines, 2015. Collection method: not provided. Allele origin: germline. Inheritance: Autosomal dominant inheritance. Affected: yes.

Dr. Peter K. Rogan Lab, Western University
No classification provided (evidence only). Condition: Acute myeloid leukemia. Review status: no classification provided. Collection method: in vitro. Allele origin: not applicable. Functional consequence: retained intron. Not counted in ClinVar's aggregate classification.

Dr. Peter K. Rogan Lab, Western University
No classification provided (evidence only). Condition: Uterine corpus endometrial carcinoma. Review status: no classification provided. Collection method: in vitro. Allele origin: not applicable. Functional consequence: retained intron. Not counted in ClinVar's aggregate classification.

Dr. Peter K. Rogan Lab, Western University
No classification provided (evidence only). Condition: Sarcoma. Review status: no classification provided. Collection method: in vitro. Allele origin: not applicable. Functional consequence: retained intron. Not counted in ClinVar's aggregate classification.

Dr. Peter K. Rogan Lab, Western University
No classification provided (evidence only). Condition: Malignant tumor of esophagus. Review status: no classification provided. Collection method: in vitro. Allele origin: not applicable. Functional consequence: retained intron. Not counted in ClinVar's aggregate classification.